The following is an entry in ClinVar:

ClinVar aggregate classification (germline): Uncertain significance (1 of 4 stars; one submission).

Submission:

Women's Health and Genetics/Laboratory Corporation of America, LabCorp
Classification: Uncertain significance. Last evaluated: 2025-07-23. Review status: criteria provided, single submitter. Criteria: LabCorp Variant Classification Summary - May 2015. Collection method: clinical testing. Allele origin: germline.
Comment: Variant summary: LOXHD1 c.5506G>C (p.Gly1836Arg) results in a non-conservative amino acid change in the encoded protein sequence. Algorithms developed to predict the effect of missense changes on protein structure and function all suggest that this variant is likely to be disruptive. Several computational tools predict a significant impact on normal splicing: Two predict the variant abolishes a 5' splicing donor site. However, these predictions have yet to be confirmed by functional studies. The variant was absent in 156334 control chromosomes (gnomAD). The available data on variant occurrences in the general population are insufficient to allow any conclusion about variant significance. To our knowledge, no occurrence of c.5506G>C in individuals affected with Nonsyndromic Hearing Loss And Deafness, Type 77 and no experimental evidence demonstrating its impact on protein function have been reported. No submitters have cited clinical-significance assessments for this variant to ClinVar. Based on the evidence outlined above, the variant was classified as uncertain significance.

NM_001384474.1(LOXHD1):c.5692G>C (p.Gly1898Arg)

Gene: LOXHD1 (lipoxygenase homology PLAT domains 1; minus strand). Cytogenetic location: 18q21.1.
Variant type: single nucleotide variant.
Coding change: c.5692G>C on transcript NM_001384474.1 (MANE Select); coding-DNA position 5692, G replaced by C.
Protein change: p.Gly1898Arg; replaces glycine 1898 with arginine.
Molecular consequence: missense variant.
Genome position (GRCh38, 1-based): chr18:46,507,538, C>G on the plus strand (G>C on the coding strand, the complement: LOXHD1 is on the minus strand). VCF-style: chr18-46507538-C-G. GRCh37 (hg19) VCF-style: chr18-44087501-C-G.
Other names: c.2359G>C, p.Gly787Arg (NM_001145472.3); c.409G>C, p.Gly137Arg (NM_001145473.3, NM_001173129.2); c.2071G>C, p.Gly691Arg (NM_001308013.2); c.5506G>C, p.Gly1836Arg (NM_144612.7); short protein forms G137R, G1836R, G1898R, G691R, G787R.
Identifiers: ClinVar variation 4526243 (VCV004526243.1).